The following is an entry in ClinVar:

NM_007294.4(BRCA1):c.3281A>G (p.Tyr1094Cys)

Genes: BRCA1 (BRCA1 DNA repair associated; minus strand), LOC126862571 (BRD4-independent group 4 enhancer GRCh37_chr17:41243136-41244335; plus strand). Cytogenetic location: 17q21.31.
Variant type: single nucleotide variant.
Coding change: c.3281A>G on transcript NM_007294.4 (MANE Select); coding-DNA position 3281, A replaced by G.
Protein change: p.Tyr1094Cys; replaces tyrosine 1094 with cysteine.
Molecular consequence: missense variant. On other transcripts: intron variant (137).
Genome position (GRCh38, 1-based): chr17:43,092,250, T>C on the plus strand (A>G on the coding strand, the complement: BRCA1 is on the minus strand). VCF-style: chr17-43092250-T-C. GRCh37 (hg19) VCF-style: chr17-41244267-T-C.
Other names: c.3137A>G, p.Tyr1046Cys (NM_001407847.1, NM_001407848.1, NM_001407849.1 and 20 more transcripts); c.3140A>G, p.Tyr1047Cys (NM_001407851.1, NM_001407852.1, NM_001407850.1 and 29 more transcripts); c.3068A>G, p.Tyr1023Cys (NM_001407853.1, NM_001407571.1, NM_001407894.1 and 9 more transcripts); c.3281A>G, p.Tyr1094Cys (NM_001407854.1, NM_001407858.1, NM_001407859.1 and 30 more transcripts); c.3278A>G, p.Tyr1093Cys (NM_001407860.1, NM_001407861.1, NM_001407587.1 and 22 more transcripts); c.3080A>G, p.Tyr1027Cys (NM_001407862.1); c.3158A>G, p.Tyr1053Cys (NM_001407863.1, NM_001407648.1, NM_001407664.1 and 19 more transcripts); c.3077A>G, p.Tyr1026Cys (NM_001407874.1, NM_001407875.1); and 41 more; short protein forms Y1094C, Y1047C, Y1026C, Y1027C, Y1052C, Y1053C, Y1093C, Y1005C.
Identifiers: ClinVar variation 639392 (VCV000639392.12), dbSNP rs1597864637, ClinGen allele CA10595427.

ClinVar aggregate classification (germline): Conflicting classifications of pathogenicity. Review status: criteria provided, conflicting classifications (1 of 4 stars). 3 submissions from 3 submitters: Uncertain significance (2); Likely benign (1). Last evaluated 2025-12-23.

Conditions:
Hereditary cancer-predisposing syndrome. Also called: Neoplastic Syndromes, Hereditary; Tumor predisposition; Hereditary Cancer Syndrome; Hereditary neoplastic syndrome. Identifiers: Orphanet 140162, MedGen C0027672, MeSH D009386, MONDO:0015356.
Hereditary breast ovarian cancer syndrome. Also called: Hereditary breast and ovarian cancer; Hereditary breast and ovarian cancer syndrome (HBOC); BRCA1- and BRCA2-Associated Hereditary Breast and Ovarian Cancer; Hereditary breast and ovarian cancer syndrome; Hereditary breast and/or ovarian cancer syndrome; Breast and ovarian cancer. Identifiers: Orphanet 145, MedGen C0677776, MeSH D061325, MONDO:0003582. Disease mechanism: loss of function.

Allele frequency attached by ClinVar (database versions not stated): gnomAD exomes below 0.00001.
gnomAD v4.1: 1 of 1,613,780 alleles (0.000062%); highest among the groups gnomAD compares: Non-Finnish European, 0.000085%; no homozygotes.

Submissions (3):

Labcorp Genetics (formerly Invitae), Labcorp
Classification: Uncertain significance for Hereditary breast ovarian cancer syndrome. Last evaluated: 2025-12-23. Review status: criteria provided, single submitter. Criteria: Invitae Variant Classification Sherloc (09022015). Collection method: clinical testing. Allele origin: germline.
Comment: This sequence change replaces tyrosine, which is neutral and polar, with cysteine, which is neutral and slightly polar, at codon 1094 of the BRCA1 protein (p.Tyr1094Cys). This variant is not present in population databases (gnomAD no frequency). This variant has not been reported in the literature in individuals affected with BRCA1-related conditions. ClinVar contains an entry for this variant (Variation ID: 639392). Invitae Evidence Modeling of protein sequence and biophysical properties (such as structural, functional, and spatial information, amino acid conservation, physicochemical variation, residue mobility, and thermodynamic stability) indicates that this missense variant is not expected to disrupt BRCA1 protein function with a negative predictive value of 80%. In summary, the available evidence is currently insufficient to determine the role of this variant in disease. Therefore, it has been classified as a Variant of Uncertain Significance.

University of Washington Department of Laboratory Medicine, University of Washington
Classification: Likely benign for Hereditary cancer-predisposing syndrome. Last evaluated: 2023-03-23. Review status: criteria provided, single submitter. Criteria: Dines et al. (Genet Med. 2020). Collection method: curation. Allele origin: germline.
Comment: Missense variant in a coldspot region where missense variants are very unlikely to be pathogenic (PMID:31911673).

BRCA1 coldspot (exon 11 using historical exon numbering). Reclassification based on statistical prior probability

Color Diagnostics, LLC DBA Color Health
Classification: Uncertain significance for Hereditary cancer-predisposing syndrome. Last evaluated: 2021-05-18. Review status: criteria provided, single submitter. Criteria: ACMG Guidelines, 2015. Collection method: clinical testing. Allele origin: germline.
Comment: This missense variant replaces tyrosine with cysteine at codon 1094 of the BRCA1 protein. Computational prediction suggests that this variant may not impact protein structure and function (internally defined REVEL score threshold <= 0.5, PMID: 27666373). To our knowledge, functional studies have not been reported for this variant. This variant has been reported in an individual affected with breast cancer (PMID: 33471991; Leiden Open Variation Database DB-ID BRCA1_006333). This variant has not been identified in the general population by the Genome Aggregation Database (gnomAD). The available evidence is insufficient to determine the role of this variant in disease conclusively. Therefore, this variant is classified as a Variant of Uncertain Significance.